The following is an entry in ClinVar:

NM_005529.7(HSPG2):c.2402G>A (p.Gly801Glu)

Gene: HSPG2 (heparan sulfate proteoglycan 2; minus strand). Cytogenetic location: 1p36.12.
Variant type: single nucleotide variant.
Coding change: c.2402G>A on transcript NM_005529.7 (MANE Select); coding-DNA position 2402, G replaced by A.
Protein change: p.Gly801Glu; replaces glycine 801 with glutamic acid.
Molecular consequence: missense variant.
Genome position (GRCh38, 1-based): chr1:21,879,063, C>T on the plus strand (G>A on the coding strand, the complement: HSPG2 is on the minus strand). VCF-style: chr1-21879063-C-T. GRCh37 (hg19) VCF-style: chr1-22205556-C-T.
Other names: c.2405G>A, p.Gly802Glu (NM_001291860.2); short protein forms G801E, G802E.
Identifiers: ClinVar variation 585986 (VCV000585986.9), dbSNP rs759055154, ClinGen allele CA673084.

ClinVar aggregate classification (germline): Uncertain significance. Review status: criteria provided, multiple submitters, no conflicts (2 of 4 stars). 2 submissions from 2 submitters: Uncertain significance (2). Last evaluated 2022-03-24.

Allele frequency attached by ClinVar (database versions not stated): gnomAD exomes below 0.00001 and 0.00003; ExAC 0.00001; gnomAD 0.00001; TOPMed 0.00002.

Submissions (2):

Labcorp Genetics (formerly Invitae), Labcorp
Classification: Uncertain significance. Last evaluated: 2022-03-24. Review status: criteria provided, single submitter. Criteria: Invitae Variant Classification Sherloc (09022015). Collection method: clinical testing. Allele origin: germline.
Comment: This sequence change replaces glycine, which is neutral and non-polar, with glutamic acid, which is acidic and polar, at codon 801 of the HSPG2 protein (p.Gly801Glu). This variant is present in population databases (rs759055154, gnomAD 0.002%). This variant has not been reported in the literature in individuals affected with HSPG2-related conditions. ClinVar contains an entry for this variant (Variation ID: 585986). Algorithms developed to predict the effect of missense changes on protein structure and function are either unavailable or do not agree on the potential impact of this missense change (SIFT: "Tolerated"; PolyPhen-2: "Probably Damaging"; Align-GVGD: "Class C0"). In summary, the available evidence is currently insufficient to determine the role of this variant in disease. Therefore, it has been classified as a Variant of Uncertain Significance.

Athena Diagnostics
Classification: Uncertain significance. Last evaluated: 2018-04-23. Review status: criteria provided, single submitter. Criteria: Athena Diagnostics Criteria. Collection method: clinical testing. Allele origin: germline.